The following is an entry in ClinVar:

ClinVar aggregate classification (germline): Uncertain significance (1 of 4 stars; one submission).

Submission:

Labcorp Genetics (formerly Invitae), Labcorp
Classification: Uncertain significance. Last evaluated: 2022-05-17. Review status: criteria provided, single submitter. Criteria: Invitae Variant Classification Sherloc (09022015). Collection method: clinical testing. Allele origin: germline.
Comment: This sequence change replaces proline, which is neutral and non-polar, with threonine, which is neutral and polar, at codon 249 of the DNASE1L3 protein (p.Pro249Thr). This variant is not present in population databases (gnomAD no frequency). This variant has not been reported in the literature in individuals affected with DNASE1L3-related conditions. Algorithms developed to predict the effect of missense changes on protein structure and function are either unavailable or do not agree on the potential impact of this missense change (SIFT: "Deleterious"; PolyPhen-2: "Probably Damaging"; Align-GVGD: "Class C0"). In summary, the available evidence is currently insufficient to determine the role of this variant in disease. Therefore, it has been classified as a Variant of Uncertain Significance.

NM_004944.4(DNASE1L3):c.745C>A (p.Pro249Thr)

Gene: DNASE1L3 (deoxyribonuclease 1L3; minus strand). Cytogenetic location: 3p14.3.
Variant type: single nucleotide variant.
Coding change: c.745C>A on transcript NM_004944.4 (MANE Select); coding-DNA position 745, C replaced by A.
Protein change: p.Pro249Thr; replaces proline 249 with threonine.
Molecular consequence: missense variant.
Genome position (GRCh38, 1-based): chr3:58,193,399, G>T on the plus strand (C>A on the coding strand, the complement: DNASE1L3 is on the minus strand). VCF-style: chr3-58193399-G-T. GRCh37 (hg19) VCF-style: chr3-58179126-G-T.
Other names: c.655C>A, p.Pro219Thr (NM_001256560.2); short protein forms P249T, P219T.
Identifiers: ClinVar variation 1995729 (VCV001995729.4), dbSNP rs2097395318, ClinGen allele CA353337756.